The following is an entry in ClinVar:

NM_025243.4(SLC19A3):c.233G>A (p.Arg78His)

Gene: SLC19A3 (solute carrier family 19 member 3; minus strand). Cytogenetic location: 2q36.3.
Variant type: single nucleotide variant.
Coding change: c.233G>A on transcript NM_025243.4 (MANE Select); coding-DNA position 233, G replaced by A.
Protein change: p.Arg78His; replaces arginine 78 with histidine.
Molecular consequence: missense variant.
Genome position (GRCh38, 1-based): chr2:227,699,482, C>T on the plus strand (G>A on the coding strand, the complement: SLC19A3 is on the minus strand). VCF-style: chr2-227699482-C-T. GRCh37 (hg19) VCF-style: chr2-228564198-C-T.
Other names: c.233G>A, p.Arg78His (NM_001371411.1, NM_001371412.1); c.221G>A, p.Arg74His (NM_001371413.1, NM_001371414.1); short protein forms R74H, R78H.
Identifiers: ClinVar variation 1958794 (VCV001958794.2), dbSNP rs757743169, ClinGen allele CA2149348.

ClinVar aggregate classification (germline): Uncertain significance (1 of 4 stars; one submission).

Conditions:
Biotin-responsive basal ganglia disease (BTBGD). Also called: Thiamine metabolism dysfunction syndrome type 2; THIAMINE METABOLISM DYSFUNCTION SYNDROME 2 (BIOTIN- AND THIAMINE-RESPONSIVE TYPE); Thiamine metabolism dysfunction syndrome 2 (biotin- or thiamine-responsive encephalopathy type 2); thiamine-responsive encephalopathy; Thiamine Transporter-2 Deficiency. Identifiers: Orphanet 199348, Orphanet 65284, MedGen C1843807, MONDO:0011841, OMIM 607483.

Allele frequency attached by ClinVar (database versions not stated): TOPMed below 0.00001; gnomAD 0.00001.
gnomAD v4.1: 12 of 1,613,992 alleles (0.00074%); highest among the groups gnomAD compares: Non-Finnish European, 0.00085%; no homozygotes.

Submission:

Labcorp Genetics (formerly Invitae), Labcorp
Classification: Uncertain significance for Biotin-responsive basal ganglia disease. Last evaluated: 2022-04-30. Review status: criteria provided, single submitter. Criteria: Invitae Variant Classification Sherloc (09022015). Collection method: clinical testing. Allele origin: germline.
Comment: This sequence change replaces arginine, which is basic and polar, with histidine, which is basic and polar, at codon 78 of the SLC19A3 protein (p.Arg78His). This variant is present in population databases (rs757743169, gnomAD 0.004%). This variant has not been reported in the literature in individuals affected with SLC19A3-related conditions. Advanced modeling of protein sequence and biophysical properties (such as structural, functional, and spatial information, amino acid conservation, physicochemical variation, residue mobility, and thermodynamic stability) performed at Invitae indicates that this missense variant is expected to disrupt SLC19A3 protein function. In summary, the available evidence is currently insufficient to determine the role of this variant in disease. Therefore, it has been classified as a Variant of Uncertain Significance.